The following is an entry in ClinVar:

ClinVar aggregate classification (germline): Uncertain significance (1 of 4 stars; one submission).

Conditions:
Aicardi-Goutieres syndrome 7 (AGS7). Identifiers: Orphanet 51, MedGen C3888244, MONDO:0014367, OMIM 615846.
Singleton-Merten syndrome 1 (SGMRT1). Also called: Widened medullary cavities of bone, aortic calcification, abnormal dentition, and muscular weakness; Syndrome of widened medullary cavities of the metacarpals and phalanges, aortic calcification and abnormal dentition. Identifiers: Orphanet 85191, MedGen C4225427, MONDO:0024535, OMIM 182250.

Submission:

Labcorp Genetics (formerly Invitae), Labcorp
Classification: Uncertain significance for Aicardi-Goutieres syndrome 7; Singleton-Merten syndrome 1. Last evaluated: 2023-02-18. Review status: criteria provided, single submitter. Criteria: Invitae Variant Classification Sherloc (09022015). Collection method: clinical testing. Allele origin: germline.
Comment: This sequence change replaces glutamic acid, which is acidic and polar, with glutamine, which is neutral and polar, at codon 523 of the IFIH1 protein (p.Glu523Gln). This variant is not present in population databases (gnomAD no frequency). This variant has not been reported in the literature in individuals affected with IFIH1-related conditions. Algorithms developed to predict the effect of missense changes on protein structure and function output the following: SIFT: "Not Available"; PolyPhen-2: "Benign"; Align-GVGD: "Not Available". The glutamine amino acid residue is found in multiple mammalian species, which suggests that this missense change does not adversely affect protein function. In summary, the available evidence is currently insufficient to determine the role of this variant in disease. Therefore, it has been classified as a Variant of Uncertain Significance.

NM_022168.4(IFIH1):c.1567G>C (p.Glu523Gln)

Gene: IFIH1 (interferon induced with helicase C domain 1; minus strand). Cytogenetic location: 2q24.2.
Variant type: single nucleotide variant.
Coding change: c.1567G>C on transcript NM_022168.4 (MANE Select); coding-DNA position 1567, G replaced by C.
Protein change: p.Glu523Gln; replaces glutamic acid 523 with glutamine.
Molecular consequence: missense variant.
Genome position (GRCh38, 1-based): chr2:162,280,070, C>G on the plus strand (G>C on the coding strand, the complement: IFIH1 is on the minus strand). VCF-style: chr2-162280070-C-G. GRCh37 (hg19) VCF-style: chr2-163136580-C-G.
Other names: short protein forms E523Q.
Identifiers: ClinVar variation 2944491 (VCV002944491.3), dbSNP rs2468962672, ClinGen allele CA349001111.